The following is an entry in ClinVar:

NM_016151.4(TAOK2):c.2815C>T (p.Pro939Ser)

Gene: TAOK2 (TAO kinase 2; plus strand). Cytogenetic location: 16p11.2.
Variant type: single nucleotide variant.
Coding change: c.2815C>T on transcript NM_016151.4 (MANE Select); coding-DNA position 2815, C replaced by T.
Protein change: p.Pro939Ser; replaces proline 939 with serine.
Molecular consequence: missense variant. On other transcripts: intron variant (1).
Genome position (GRCh38, 1-based): chr16:29,987,087, C>T. VCF-style: chr16-29987087-C-T. GRCh37 (hg19) VCF-style: chr16-29998408-C-T.
Other names: c.2476C>T, p.Pro826Ser (NM_001252043.2); c.2232+583C>T (NM_004783.4); short protein forms P826S, P939S.
Identifiers: ClinVar variation 2105405 (VCV002105405.4), dbSNP rs1401625251, ClinGen allele CA395496634.
Genomic context (GRCh38, chr16:29,987,087, plus strand): 5'-GATGGTTGTCCTTCCCCCGACATCCCTCCTGAACCCCCTCCAACACACCTGAGGCCCTGC[C>T]CTGCCAGCCAGCTCCCTGGACTCCTGTCCCATGGCCTCCTGGCCGGCCTCTCCTTTGCAG-3'
Protein context (NP_057235.2, residues 929-949): EPPPTHLRPC[Pro939Ser]ASQLPGLLSH

ClinVar aggregate classification (germline): Uncertain significance (1 of 4 stars; one submission).

Allele frequency attached by ClinVar (database versions not stated): gnomAD exomes below 0.00001; TOPMed 0.00002; gnomAD 0.00004.
gnomAD v4.1: 8 of 1,613,250 alleles (0.0005%); highest among the groups gnomAD compares: Admixed American, 0.013%; no homozygotes.

Submission:

Labcorp Genetics (formerly Invitae), Labcorp
Classification: Uncertain significance. Last evaluated: 2022-05-20. Review status: criteria provided, single submitter. Criteria: Invitae Variant Classification Sherloc (09022015). Collection method: clinical testing. Allele origin: germline.
Comment: In summary, the available evidence is currently insufficient to determine the role of this variant in disease. Therefore, it has been classified as a Variant of Uncertain Significance. Algorithms developed to predict the effect of missense changes on protein structure and function output the following: SIFT: "Tolerated"; PolyPhen-2: "Benign"; Align-GVGD: "Class C0". The serine amino acid residue is found in multiple mammalian species, which suggests that this missense change does not adversely affect protein function. This variant has not been reported in the literature in individuals affected with TAOK2-related conditions. This variant is present in population databases (no rsID available, gnomAD 0.006%). This sequence change replaces proline, which is neutral and non-polar, with serine, which is neutral and polar, at codon 939 of the TAOK2 protein (p.Pro939Ser).